The following is an entry in ClinVar:

NM_177438.3(DICER1):c.503A>G (p.Asp168Gly)

Gene: DICER1 (dicer 1, ribonuclease III; minus strand). Cytogenetic location: 14q32.13.
Variant type: single nucleotide variant.
Coding change: c.503A>G on transcript NM_177438.3 (MANE Select); coding-DNA position 503, A replaced by G.
Protein change: p.Asp168Gly; replaces aspartic acid 168 with glycine.
Molecular consequence: missense variant.
Genome position (GRCh38, 1-based): chr14:95,130,128, T>C on the plus strand (A>G on the coding strand, the complement: DICER1 is on the minus strand). VCF-style: chr14-95130128-T-C. GRCh37 (hg19) VCF-style: chr14-95596465-T-C.
Other names: c.503A>G, p.Asp168Gly (NM_001195573.1, NM_001271282.3, NM_001291628.2 and 1 more transcripts); short protein forms D168G.
Identifiers: ClinVar variation 841991 (VCV000841991.11), dbSNP rs1893829444, ClinGen allele CA390888480.

ClinVar aggregate classification (germline): Uncertain significance (1 of 4 stars; one submission).

Conditions:
DICER1-related tumor predisposition. Also called: DICER1 syndrome; DICER1-related pleuropulmonary blastoma cancer predisposition syndrome. Identifiers: Orphanet 284343, MedGen C3839822, MONDO:0100216.

Submission:

Labcorp Genetics (formerly Invitae), Labcorp
Classification: Uncertain significance for DICER1-related tumor predisposition. Last evaluated: 2019-04-02. Review status: criteria provided, single submitter. Criteria: Invitae Variant Classification Sherloc (09022015). Collection method: clinical testing. Allele origin: germline.
Comment: In summary, the available evidence is currently insufficient to determine the role of this variant in disease. Therefore, it has been classified as a Variant of Uncertain Significance. Algorithms developed to predict the effect of missense changes on protein structure and function (SIFT, PolyPhen-2, Align-GVGD) all suggest that this variant is likely to be tolerated, but these predictions have not been confirmed by published functional studies and their clinical significance is uncertain. This variant has not been reported in the literature in individuals with DICER1-related conditions. This variant is not present in population databases (ExAC no frequency). This sequence change replaces aspartic acid with glycine at codon 168 of the DICER1 protein (p.Asp168Gly). The aspartic acid residue is moderately conserved and there is a moderate physicochemical difference between aspartic acid and glycine.